The following is an entry in ClinVar:

ClinVar aggregate classification (germline): Pathogenic (1 of 4 stars; one submission).

Submission:

Labcorp Genetics (formerly Invitae), Labcorp
Classification: Pathogenic. Last evaluated: 2023-10-18. Review status: criteria provided, single submitter. Criteria: Invitae Variant Classification Sherloc (09022015). Collection method: clinical testing. Allele origin: germline.
Comment: This sequence change creates a premature translational stop signal (p.Val140Glyfs*4) in the TBX20 gene. It is expected to result in an absent or disrupted protein product. Loss-of-function variants in TBX20 are known to be pathogenic (PMID: 15901664, 25625280, 26118961, 27510170). This variant is not present in population databases (gnomAD no frequency). This variant has not been reported in the literature in individuals affected with TBX20-related conditions. For these reasons, this variant has been classified as Pathogenic.

Literature cited by the submitters: PubMed 15901664; PubMed 25625280; PubMed 26118961; PubMed 27510170.

NM_001077653.2(TBX20):c.413dup (p.Val140fs)

Gene: TBX20 (T-box transcription factor 20; minus strand). Cytogenetic location: 7p14.2.
Variant type: Duplication.
Coding change: c.413dup on transcript NM_001077653.2 (MANE Select); coding-DNA position 413, one base duplicated (C; older notation c.413dupC).
Protein change: p.Val140fs; shifts the reading frame from valine 140.
Molecular consequence: frameshift variant.
Genome position (GRCh38, 1-based): chr7:35,248,809, G duplicated on the plus strand (C on the coding strand, the reverse complement: TBX20 is on the minus strand). VCF-style (leftmost placement, unchanged base first): chr7-35248808-C-CG. GRCh37 (hg19) VCF-style: chr7-35288420-C-CG.
Other names: c.413dup, p.Val140fs (NM_001166220.1); short protein forms V140fs.
Identifiers: ClinVar variation 2769758 (VCV002769758.3), dbSNP rs2546996503, ClinGen allele CA2697557211.